The following is an entry in ClinVar:

ClinVar aggregate classification (germline): Uncertain significance (1 of 4 stars; one submission).

Submission:

GeneDx
Classification: Uncertain significance. Last evaluated: 2019-11-12. Review status: criteria provided, single submitter. Criteria: GeneDx Variant Classification Process June 2021. Collection method: clinical testing. Allele origin: germline. Affected: yes.
Comment: Not observed in large population cohorts (Lek et al., 2016); Canonical splice site variant in a gene for which loss-of-function is not a known mechanism of disease; Has not been previously published as pathogenic or benign to our knowledge; Variants in candidate genes are classified as variants of uncertain significance in accordance with ACMG guidelines (Richards et al., 2015)

NM_001282933.2(ZNF341):c.1413+1del

Gene: ZNF341 (zinc finger protein 341; plus strand). Cytogenetic location: 20q11.22.
Variant type: Deletion.
Coding change: c.1413+1del on transcript NM_001282933.2 (MANE Select); the canonical splice donor site of the intron after coding-DNA position 1413, one base deleted (G; older notation c.1413+1delG).
Molecular consequence: splice donor variant.
Genome position (GRCh38, 1-based): chr20:33,767,042, G deleted; the last of 2 consecutive G bases (chr20:33,767,041-33,767,042); deleting either gives the same sequence. VCF-style (leftmost placement, unchanged base first): chr20-33767040-AG-A. GRCh37 (hg19) VCF-style: chr20-32354846-AG-A.
Other names: c.1392+1del (NM_032819.5); c.1143+1del (NM_001282935.2).
Identifiers: ClinVar variation 1310352 (VCV001310352.2), dbSNP rs2019422213, ClinGen allele CA1017051887.